The following is an entry in ClinVar:

ClinVar aggregate classification (germline): Conflicting classifications of pathogenicity. Review status: criteria provided, conflicting classifications (1 of 4 stars). 2 submissions from 2 submitters: Uncertain significance (1); Likely benign (1). Last evaluated 2026-01-06.

Conditions:
Inborn genetic diseases. Identifiers: MedGen C0950123, MeSH D030342.
Majeed syndrome (MJDS). Also called: LPIN2-Related Majeed Syndrome; CHRONIC RECURRENT MULTIFOCAL OSTEOMYELITIS 1, WITH CONGENITAL DYSERYTHROPOIETIC ANEMIA, WITH OR WITHOUT NEUTROPHILIC DERMATOSIS. Identifiers: Orphanet 77297, MedGen C1864997, MONDO:0012316, OMIM 609628.

Allele frequency attached by ClinVar (database versions not stated): gnomAD 0.00001; ExAC 0.00002; TOPMed 0.00003; gnomAD exomes 0.00007.
gnomAD v4.1: 25 of 1,613,942 alleles (0.0015%); highest among the groups gnomAD compares: Admixed American, 0.033%; no homozygotes.

Submissions (2):

Labcorp Genetics (formerly Invitae), Labcorp
Classification: Uncertain significance for Majeed syndrome. Last evaluated: 2026-01-06. Review status: criteria provided, single submitter. Criteria: Invitae Variant Classification Sherloc (09022015). Collection method: clinical testing. Allele origin: germline.
Comment: This sequence change replaces alanine, which is neutral and non-polar, with valine, which is neutral and non-polar, at codon 370 of the LPIN2 protein (p.Ala370Val). This variant is present in population databases (rs771059835, gnomAD 0.05%). This variant has not been reported in the literature in individuals affected with LPIN2-related conditions. ClinVar contains an entry for this variant (Variation ID: 1423974). Invitae Evidence Modeling of protein sequence and biophysical properties (such as structural, functional, and spatial information, amino acid conservation, physicochemical variation, residue mobility, and thermodynamic stability) indicates that this missense variant is not expected to disrupt LPIN2 protein function with a negative predictive value of 80%. In summary, the available evidence is currently insufficient to determine the role of this variant in disease. Therefore, it has been classified as a Variant of Uncertain Significance.

Ambry Genetics
Classification: Likely benign for Inborn genetic diseases. Last evaluated: 2025-10-29. Review status: criteria provided, single submitter. Criteria: Ambry Variant Classification Scheme 2023. Collection method: clinical testing. Allele origin: germline.

NM_001375808.2(LPIN2):c.1109C>T (p.Ala370Val)

Gene: LPIN2 (lipin 2; minus strand). Cytogenetic location: 18p11.31.
Variant type: single nucleotide variant.
Coding change: c.1109C>T on transcript NM_001375808.2 (MANE Select); coding-DNA position 1109, C replaced by T.
Protein change: p.Ala370Val; replaces alanine 370 with valine.
Molecular consequence: missense variant.
Genome position (GRCh38, 1-based): chr18:2,937,751, G>A on the plus strand (C>T on the coding strand, the complement: LPIN2 is on the minus strand). VCF-style: chr18-2937751-G-A. GRCh37 (hg19) VCF-style: chr18-2937749-G-A.
Other names: c.1109C>T, p.Ala370Val (NM_001375809.1, NM_014646.2); short protein forms A370V.
Identifiers: ClinVar variation 1423974 (VCV001423974.5), dbSNP rs771059835, ClinGen allele CA8873214.